The following is an entry in ClinVar:

NM_003283.6(TNNT1):c.155C>T (p.Pro52Leu)

Gene: TNNT1 (troponin T1, slow skeletal type; minus strand). Cytogenetic location: 19q13.42.
Variant type: single nucleotide variant.
Coding change: c.155C>T on transcript NM_003283.6 (MANE Select); coding-DNA position 155, C replaced by T.
Protein change: p.Pro52Leu; replaces proline 52 with leucine.
Molecular consequence: missense variant.
Genome position (GRCh38, 1-based): chr19:55,141,894, G>A on the plus strand (C>T on the coding strand, the complement: TNNT1 is on the minus strand). VCF-style: chr19-55141894-G-A. GRCh37 (hg19) VCF-style: chr19-55653262-G-A.
Other names: c.155C>T, p.Pro52Leu (NM_001126132.3); c.122C>T, p.Pro41Leu (NM_001126133.3, NM_001291774.2); short protein forms P41L, P52L.
Identifiers: ClinVar variation 5008383 (VCV005008383.1).

ClinVar aggregate classification (germline): Uncertain significance (1 of 4 stars; one submission).

gnomAD v4.1: 3 of 1,613,912 alleles (0.00019%); highest among the groups gnomAD compares: Non-Finnish European, 0.00025%; no homozygotes.

Submission:

GeneDx
Classification: Uncertain significance. Last evaluated: 2026-03-05. Review status: criteria provided, single submitter. Criteria: GeneDx Variant Classification Process June 2021. Collection method: clinical testing. Allele origin: germline.
Comment: Not observed at significant frequency in large population cohorts (gnomAD); Missense variants in this gene are a common cause of disease and they are underrepresented in the general population; In silico analysis supports that this missense variant has a deleterious effect on protein structure/function; Has not been previously published as pathogenic or benign to our knowledge